The following is an entry in ClinVar:

NM_014780.5(CUL7):c.1782G>C (p.Ala594=)

Gene: CUL7 (cullin 7; minus strand). Cytogenetic location: 6p21.1.
Variant type: single nucleotide variant.
Coding change: c.1782G>C on transcript NM_014780.5 (MANE Select); coding-DNA position 1782, G replaced by C.
Protein change: p.Ala594=; no amino-acid change (alanine 594 retained).
Molecular consequence: synonymous variant.
Genome position (GRCh38, 1-based): chr6:43,049,450, C>G on the plus strand (G>C on the coding strand, the complement: CUL7 is on the minus strand). VCF-style: chr6-43049450-C-G. GRCh37 (hg19) VCF-style: chr6-43017188-C-G.
Other names: c.1878G>C, p.Ala626= (NM_001168370.2, NM_001374872.1); c.1782G>C, p.Ala594= (NM_001374873.1, NM_001374874.1); c.1782G>C (NM_014780.4).
Identifiers: ClinVar variation 1605074 (VCV001605074.10), dbSNP rs369092411, ClinGen allele CA3814074.

ClinVar aggregate classification (germline): Likely benign. Review status: criteria provided, single submitter (1 of 4 stars). 2 submissions from 2 submitters: Likely benign (1). 1 of the submissions does not count toward it. Last evaluated 2025-06-03.

Conditions:
CUL7-related disorder. Also called: CUL7-related condition.

Allele frequency attached by ClinVar (database versions not stated): ESP Exome Variant Server 0.00008.
gnomAD v4.1: 182 of 1,614,098 alleles (0.011%); highest among the groups gnomAD compares: Non-Finnish European, 0.015%; no homozygotes.

Submissions (2):

Labcorp Genetics (formerly Invitae), Labcorp
Classification: Likely benign. Last evaluated: 2025-06-03. Review status: criteria provided, single submitter. Criteria: Invitae Variant Classification Sherloc (09022015). Collection method: clinical testing. Allele origin: germline.

PreventionGenetics, part of Exact Sciences
Classification: Likely benign for CUL7-related condition. Last evaluated: 2019-07-26. Review status: no assertion criteria provided. Collection method: clinical testing. Allele origin: germline. Not counted in ClinVar's aggregate classification.
Comment: This variant is classified as likely benign based on ACMG/AMP sequence variant interpretation guidelines (Richards et al. 2015 PMID: 25741868, with internal and published modifications).